The following is an entry in ClinVar:

NM_004714.3(DYRK1B):c.183+9G>C

Gene: DYRK1B (dual specificity tyrosine phosphorylation regulated kinase 1B; minus strand). Cytogenetic location: 19q13.2.
Variant type: single nucleotide variant.
Coding change: c.183+9G>C on transcript NM_004714.3 (MANE Select); 9 bases into the intron after coding-DNA position 183, G replaced by C.
Molecular consequence: intron variant.
Genome position (GRCh38, 1-based): chr19:39,830,655, C>G on the plus strand (G>C on the coding strand, the complement: DYRK1B is on the minus strand). VCF-style: chr19-39830655-C-G. GRCh37 (hg19) VCF-style: chr19-40321295-C-G.
Other names: c.183+9G>C (NM_006483.3, NM_006484.3).
Identifiers: ClinVar variation 3052281 (VCV003052281.4), dbSNP rs745682157, ClinGen allele CA9434420.
Genomic context (GRCh38, chr19:39,830,655, plus strand): 5'-TGGTGAGTGACTCATGCCAGCAGACAAGACCCTCGGCACCCAGCCCAGGATCCCCCAGCC[C>G]CTGCCCACCTCATTGATGTGCTTGTAGGTCTTGATGAGGTCCACAGAGAGCTTACGCAGC-3'

ClinVar aggregate classification (germline): Likely benign. Review status: criteria provided, single submitter (1 of 4 stars). 2 submissions from 2 submitters: Likely benign (1). 1 of the submissions does not count toward it. Last evaluated 2024-09-26.

Conditions:
DYRK1B-related disorder. Also called: DYRK1B-related condition.

Allele frequency attached by ClinVar (database versions not stated): ExAC 0.00003.

Submissions (2):

Labcorp Genetics (formerly Invitae), Labcorp
Classification: Likely benign. Last evaluated: 2024-09-26. Review status: criteria provided, single submitter. Criteria: Invitae Variant Classification Sherloc (09022015). Collection method: clinical testing. Allele origin: germline.

PreventionGenetics, part of Exact Sciences
Classification: Likely benign for DYRK1B-related condition. Last evaluated: 2023-01-23. Review status: no assertion criteria provided. Collection method: clinical testing. Allele origin: germline. Not counted in ClinVar's aggregate classification.
Comment: This variant is classified as likely benign based on ACMG/AMP sequence variant interpretation guidelines (Richards et al. 2015 PMID: 25741868, with internal and published modifications).